The following is an entry in ClinVar:

ClinVar aggregate classification (germline): Conflicting classifications of pathogenicity. Review status: criteria provided, conflicting classifications (1 of 4 stars). 4 submissions from 4 submitters: Uncertain significance (1); Benign (2). 1 of the submissions does not count toward it. Last evaluated 2026-01-15.

Conditions:
SRCAP-related disorder. Also called: SRCAP-related condition.

Allele frequency attached by ClinVar (database versions not stated): gnomAD exomes 0.00011 and 0.00018; ExAC 0.00017; gnomAD 0.00058 and 0.00061; ESP Exome Variant Server 0.00062; TOPMed 0.00066; 1000 Genomes Project 0.00120; 1000 Genomes Project 30x 0.00156.
gnomAD v4.1: 254 of 1,613,994 alleles (0.016%); highest among the groups gnomAD compares: African/African-American, 0.2%; no homozygotes.

Submissions (4):

Labcorp Genetics (formerly Invitae), Labcorp
Classification: Benign. Last evaluated: 2026-01-15. Review status: criteria provided, single submitter. Criteria: Invitae Variant Classification Sherloc (09022015). Collection method: clinical testing. Allele origin: germline.

Blueprint Genetics
Classification: Benign. Last evaluated: 2024-11-27. Review status: criteria provided, single submitter. Criteria: ACMG Guidelines, 2015. Collection method: clinical testing. Allele origin: germline.

Eurofins Ntd Llc (ga)
Classification: Uncertain significance. Last evaluated: 2015-04-14. Review status: criteria provided, single submitter. Criteria: EGL Classification Definitions 2015. Collection method: clinical testing. Allele origin: germline. Observed: 1 variant allele, 1 heterozygote.

PreventionGenetics, part of Exact Sciences
Classification: Likely benign for SRCAP-related condition. Last evaluated: 2019-04-25. Review status: no assertion criteria provided. Collection method: clinical testing. Allele origin: germline. Not counted in ClinVar's aggregate classification.
Comment: This variant is classified as likely benign based on ACMG/AMP sequence variant interpretation guidelines (Richards et al. 2015 PMID: 25741868, with internal and published modifications).

NM_006662.3(SRCAP):c.7248C>T (p.Ser2416=)

Gene: SRCAP (Snf2 related CREBBP activator protein; plus strand). Cytogenetic location: 16p11.2.
Variant type: single nucleotide variant.
Coding change: c.7248C>T on transcript NM_006662.3 (MANE Select); coding-DNA position 7248, C replaced by T.
Protein change: p.Ser2416=; no amino-acid change (serine 2416 retained).
Molecular consequence: synonymous variant.
Genome position (GRCh38, 1-based): chr16:30,737,288, C>T. VCF-style: chr16-30737288-C-T. GRCh37 (hg19) VCF-style: chr16-30748609-C-T.
Identifiers: ClinVar variation 196912 (VCV000196912.17), dbSNP rs138152469, ClinGen allele CA244713.
Genomic context (GRCh38, chr16:30,737,288, plus strand): 5'-TGAGCGTCTTCGTGGAGCCCGGGCTGAGACTCAAGGGGCAAACCACACTCCTGTCATATC[C>T]GCCCATCAAACTCGCAGCACCACCACACCACCCCGCTGCAGTCCTGCCAGGGAGCGAGTT-3'
Protein context (NP_006653.2, residues 2406-2426): TQGANHTPVI[Ser2416=]AHQTRSTTTP